The following is an entry in ClinVar:

ClinVar aggregate classification (germline): Pathogenic (1 of 4 stars; one submission).

Conditions:
Primary ciliary dyskinesia. Also called: Ciliary dyskinesia. Identifiers: Orphanet 244, MedGen C0008780, MONDO:0016575, HP:0012265.

Submission:

Labcorp Genetics (formerly Invitae), Labcorp
Classification: Pathogenic for Primary ciliary dyskinesia. Last evaluated: 2023-07-16. Review status: criteria provided, single submitter. Criteria: Invitae Variant Classification Sherloc (09022015). Collection method: clinical testing. Allele origin: unknown.
Comment: For these reasons, this variant has been classified as Pathogenic. This variant has not been reported in the literature in individuals affected with DNAH8-related conditions. This variant is a gross deletion of the genomic region encompassing exon(s) 67-70 of the DNAH8 gene. This deletion is out-of-frame, and is expected to create a premature termination codon and result in an absent or disrupted protein product. Loss-of-function variants in DNAH8 are known to be pathogenic (PMID: 24307375, 32619401, 32681648).

Literature cited by the submitters: PubMed 24307375; PubMed 32619401; PubMed 32681648.

NC_000006.11:g.(?_38881605)_(38885936_?)del

Gene: DNAH8 (dynein axonemal heavy chain 8; plus strand). Cytogenetic location: 6p21.2.
Variant type: Deletion.
Identifiers: ClinVar variation 3245947 (VCV003245947.1).